The following is an entry in ClinVar:

ClinVar aggregate classification (germline): Uncertain significance. Review status: criteria provided, multiple submitters, no conflicts (2 of 4 stars). 2 submissions from 2 submitters: Uncertain significance (2). Last evaluated 2021-10-11.

Conditions:
Holoprosencephaly 5 (HPE5). Identifiers: Orphanet 2162, MedGen C1864827, MONDO:0012322, OMIM 609637.

Submissions (2):

Institute of Human Genetics, University of Leipzig Medical Center
Classification: Uncertain significance for Holoprosencephaly 5. Last evaluated: 2021-10-11. Review status: criteria provided, single submitter. Criteria: ACMG Guidelines, 2015. Collection method: clinical testing. Allele origin: maternal. Affected: yes.
Comment: _x000D_ Criteria applied: PM4, PM2_SUP

Breakthrough Genomics
Classification: Uncertain significance. Review status: criteria provided, single submitter. Criteria: ACMG Guidelines, 2015. Collection method: not provided. Allele origin: germline. Inheritance: Autosomal dominant inheritance. Affected: yes.

NM_007129.5(ZIC2):c.1382_1411del (p.Ala461_Ala470del)

Genes: ZIC2 (Zic family member 2; plus strand), LOC110008580 (Zic family member 2 polyalanine repeat instability region; plus strand). Cytogenetic location: 13q32.3.
Variant type: Deletion.
Coding change: c.1382_1411del on transcript NM_007129.5 (MANE Select); coding-DNA positions 1382 to 1411, 30 bases deleted (CGGCGGCGGCTGCGGCGGCGGCGGCCGCGG).
Protein change: p.Ala461_Ala470del.
Molecular consequence: inframe deletion.
Genome position (GRCh38, 1-based): chr13:99,985,465-99,985,494, CGGCGGCGGCTGCGGCGGCGGCGGCCGCGG deleted; deleting any 30 consecutive bases within chr13:99,985,461-99,985,494 gives the same sequence; the c. name uses the placement nearest the transcript's 3' end. VCF-style (leftmost placement, unchanged base first): chr13-99985460-AGCGGCGGCGGCGGCTGCGGCGGCGGCGGCC-A. GRCh37 (hg19) VCF-style: chr13-100637714-AGCGGCGGCGGCGGCTGCGGCGGCGGCGGCC-A.
Identifiers: ClinVar variation 1297012 (VCV001297012.3), dbSNP rs2152163821, ClinGen allele CA2499222518.